The following is an entry in ClinVar:

NM_000059.4(BRCA2):c.8393C>A (p.Pro2798His)

Gene: BRCA2 (BRCA2 DNA repair associated; plus strand). Cytogenetic location: 13q13.1.
Variant type: single nucleotide variant.
Coding change: c.8393C>A on transcript NM_000059.4 (MANE Select); coding-DNA position 8393, C replaced by A.
Protein change: p.Pro2798His; replaces proline 2798 with histidine.
Molecular consequence: missense variant.
Genome position (GRCh38, 1-based): chr13:32,370,463, C>A. VCF-style: chr13-32370463-C-A. GRCh37 (hg19) VCF-style: chr13-32944600-C-A.
Other names: short protein forms P2798H.
Identifiers: ClinVar variation 1417093 (VCV001417093.8), dbSNP rs276174906, ClinGen allele CA387752482.

ClinVar aggregate classification (germline): Uncertain significance (1 of 4 stars; one submission).

Conditions:
Hereditary breast ovarian cancer syndrome. Also called: Hereditary breast and ovarian cancer syndrome (HBOC); Breast and ovarian cancer; Hereditary breast and ovarian cancer syndrome; Hereditary breast and/or ovarian cancer syndrome; BRCA1- and BRCA2-Associated Hereditary Breast and Ovarian Cancer; Hereditary breast and ovarian cancer. Identifiers: Orphanet 145, MedGen C0677776, MeSH D061325, MONDO:0003582. Disease mechanism: loss of function.

Submission:

Labcorp Genetics (formerly Invitae), Labcorp
Classification: Uncertain significance for Hereditary breast ovarian cancer syndrome. Last evaluated: 2021-03-29. Review status: criteria provided, single submitter. Criteria: Invitae Variant Classification Sherloc (09022015). Collection method: clinical testing. Allele origin: germline.
Comment: In summary, the available evidence is currently insufficient to determine the role of this variant in disease. Therefore, it has been classified as a Variant of Uncertain Significance. Algorithms developed to predict the effect of missense changes on protein structure and function (SIFT, PolyPhen-2, Align-GVGD) all suggest that this variant is likely to be disruptive, but these predictions have not been confirmed by published functional studies and their clinical significance is uncertain. This variant has not been reported in the literature in individuals with BRCA2-related conditions. This variant is not present in population databases (ExAC no frequency). This sequence change replaces proline with histidine at codon 2798 of the BRCA2 protein (p.Pro2798His). The proline residue is highly conserved and there is a moderate physicochemical difference between proline and histidine.